The following is an entry in ClinVar:

ClinVar aggregate classification (germline): Likely pathogenic (1 of 4 stars; one submission).

Submission:

GeneDx
Classification: Likely pathogenic. Last evaluated: 2023-09-11. Review status: criteria provided, single submitter. Criteria: GeneDx Variant Classification Process June 2021. Collection method: clinical testing. Allele origin: germline. Affected: yes.
Comment: Nonsense variant predicted to result in protein truncation, as the last 141 amino acids are lost, and other loss-of-function variants have been reported downstream in HGMD; Not observed at significant frequency in large population cohorts (gnomAD); Has not been previously published as pathogenic or benign to our knowledge

NM_000875.5(IGF1R):c.3679G>T (p.Glu1227Ter)

Gene: IGF1R (insulin like growth factor 1 receptor; plus strand). Cytogenetic location: 15q26.3.
Variant type: single nucleotide variant.
Coding change: c.3679G>T on transcript NM_000875.5 (MANE Select); coding-DNA position 3679, G replaced by T.
Protein change: p.Glu1227Ter; replaces glutamic acid 1227 with a stop codon.
Molecular consequence: nonsense.
Genome position (GRCh38, 1-based): chr15:98,948,665, G>T. VCF-style: chr15-98948665-G-T. GRCh37 (hg19) VCF-style: chr15-99491894-G-T.
Other names: c.3676G>T, p.Glu1226Ter (NM_001291858.2); short protein forms E1226*, E1227*.
Identifiers: ClinVar variation 2579966 (VCV002579966.1), dbSNP rs2506091121, ClinGen allele CA393663502.